The following is an entry in ClinVar:

ClinVar aggregate classification (germline): Conflicting classifications of pathogenicity. Review status: criteria provided, conflicting classifications (1 of 4 stars). 4 submissions from 4 submitters: Uncertain significance (3); Likely benign (1). Last evaluated 2025-09-24.

Conditions:
Cardiovascular phenotype. Identifiers: MedGen CN230736.
Myofibrillar myopathy 5. Also called: Filaminopathy (type); FILAMINOPATHY, AUTOSOMAL DOMINANT. Identifiers: Orphanet 171445, MedGen C1836050, MONDO:0012289, OMIM 609524.
Distal myopathy with posterior leg and anterior hand involvement. Also called: WILLIAMS DISTAL MYOPATHY. Identifiers: Orphanet 63273, MedGen C3279722, MONDO:0013550, OMIM 614065.
Hypertrophic cardiomyopathy 26. Also called: Cardiomyopathy, familial hypertrophic, 26. Identifiers: Orphanet 75249, MedGen C4310749, MONDO:0014883, OMIM 617047.

Allele frequency attached by ClinVar (database versions not stated): gnomAD exomes 0.00001 and 0.00002.
gnomAD v4.1: 36 of 1,613,296 alleles (0.0022%); highest among the groups gnomAD compares: Non-Finnish European, 0.0026%; no homozygotes.

Submissions (4):

Ambry Genetics
Classification: Uncertain significance for Cardiovascular phenotype. Last evaluated: 2025-09-24. Review status: criteria provided, single submitter. Criteria: Ambry Variant Classification Scheme 2023. Collection method: clinical testing. Allele origin: germline.
Comment: The p.A1566T variant (also known as c.4696G>A), located in coding exon 27 of the FLNC gene, results from a G to A substitution at nucleotide position 4696. The alanine at codon 1566 is replaced by threonine, an amino acid with similar properties. This amino acid position is well conserved in available vertebrate species. In addition, the in silico prediction for this alteration is inconclusive. Based on the available evidence, the clinical significance of this variant remains unclear.

Labcorp Genetics (formerly Invitae), Labcorp
Classification: Likely benign for Distal myopathy with posterior leg and anterior hand involvement; Myofibrillar myopathy 5; Hypertrophic cardiomyopathy 26. Last evaluated: 2025-04-27. Review status: criteria provided, single submitter. Criteria: Invitae Variant Classification Sherloc (09022015). Collection method: clinical testing. Allele origin: germline.

Revvity Omics, Revvity
Classification: Uncertain significance. Last evaluated: 2023-03-31. Review status: criteria provided, single submitter. Criteria: ACMG Guidelines, 2015. Collection method: clinical testing. Allele origin: germline.

GeneDx
Classification: Uncertain significance. Last evaluated: 2021-10-29. Review status: criteria provided, single submitter. Criteria: GeneDx Variant Classification Process June 2021. Collection method: clinical testing. Allele origin: germline. Affected: yes.
Comment: Has not been previously published as pathogenic or benign to our knowledge; Not observed at significant frequency in large population cohorts (Lek et al., 2016); In silico analysis supports that this missense variant does not alter protein structure/function

NM_001458.5(FLNC):c.4696G>A (p.Ala1566Thr)

Gene: FLNC (filamin C; plus strand). Cytogenetic location: 7q32.1.
Variant type: single nucleotide variant.
Coding change: c.4696G>A on transcript NM_001458.5 (MANE Select); coding-DNA position 4696, G replaced by A.
Protein change: p.Ala1566Thr; replaces alanine 1566 with threonine.
Molecular consequence: missense variant.
Genome position (GRCh38, 1-based): chr7:128,848,676, G>A. VCF-style: chr7-128848676-G-A. GRCh37 (hg19) VCF-style: chr7-128488730-G-A.
Other names: c.4696G>A, p.Ala1566Thr (NM_001127487.2); short protein forms A1566T.
Identifiers: ClinVar variation 1321738 (VCV001321738.12), dbSNP rs1161262954, ClinGen allele CA369202756.
Genomic context (GRCh38, chr7:128,848,676, plus strand): 5'-GGCCCAGGCCTCAACGCCTCTGGCATCCCTGCCAGCCTGCCTGTGGAGTTCACCATCGAC[G>A]CACGGGACGCGGGCGAGGGGTTGCTCACTGTCCAGATCTTGGTGAGTCTCTGTGCATCCC-3'
Protein context (NP_001449.3, residues 1556-1576): ASLPVEFTID[Ala1566Thr]RDAGEGLLTV